The following is an entry in ClinVar:

ClinVar aggregate classification (germline): Uncertain significance (1 of 4 stars; one submission).

Submission:

Labcorp Genetics (formerly Invitae), Labcorp
Classification: Uncertain significance. Last evaluated: 2022-07-12. Review status: criteria provided, single submitter. Criteria: Invitae Variant Classification Sherloc (09022015). Collection method: clinical testing. Allele origin: germline.
Comment: This sequence change replaces glycine, which is neutral and non-polar, with cysteine, which is neutral and slightly polar, at codon 196 of the GUCY2C protein (p.Gly196Cys). This variant is not present in population databases (gnomAD no frequency). This variant has not been reported in the literature in individuals affected with GUCY2C-related conditions. Algorithms developed to predict the effect of missense changes on protein structure and function are either unavailable or do not agree on the potential impact of this missense change (SIFT: "Deleterious"; PolyPhen-2: "Possibly Damaging"; Align-GVGD: "Class C0"). In summary, the available evidence is currently insufficient to determine the role of this variant in disease. Therefore, it has been classified as a Variant of Uncertain Significance.

NM_004963.4(GUCY2C):c.586G>T (p.Gly196Cys)

Genes: GUCY2C (guanylate cyclase 2C; minus strand), GUCY2C-AS1 (GUCY2C antisense RNA 1; plus strand). Cytogenetic location: 12p12.3.
Variant type: single nucleotide variant.
Coding change: c.586G>T on transcript NM_004963.4 (MANE Select); coding-DNA position 586, G replaced by T.
Protein change: p.Gly196Cys; replaces glycine 196 with cysteine.
Molecular consequence: missense variant.
Genome position (GRCh38, 1-based): chr12:14,683,067, C>A on the plus strand (G>T on the coding strand, the complement: GUCY2C is on the minus strand). VCF-style: chr12-14683067-C-A. GRCh37 (hg19) VCF-style: chr12-14836001-C-A.
Other names: short protein forms G196C.
Identifiers: ClinVar variation 1994094 (VCV001994094.4), dbSNP rs2497801288, ClinGen allele CA384006114.